The following is an entry in ClinVar:

ClinVar aggregate classification (germline): Pathogenic. Review status: criteria provided, single submitter (1 of 4 stars). 2 submissions from 2 submitters: Pathogenic (1). 1 of the submissions does not count toward it. Last evaluated 2020-05-24.

Conditions:
Familial cold autoinflammatory syndrome 4 (FCAS4). Identifiers: Orphanet 47045, Orphanet 576349, MedGen C4015276, MONDO:0014498, OMIM 616115.
Periodic fever-infantile enterocolitis-autoinflammatory syndrome. Also called: Autoinflammation with infantile enterocolitis. Identifiers: Orphanet 436166, MedGen C4015067, MONDO:0014472, OMIM 616050.

Submissions (2):

Labcorp Genetics (formerly Invitae), Labcorp
Classification: Pathogenic for Periodic fever-infantile enterocolitis-autoinflammatory syndrome; Familial cold autoinflammatory syndrome 4. Last evaluated: 2020-05-24. Review status: criteria provided, single submitter. Criteria: Invitae Variant Classification Sherloc (09022015). Collection method: clinical testing. Allele origin: germline.
Comment: This variant has been reported to affect NLRC4 protein function (PMID: 25217959, 29326099). This variant has been observed in individual(s) with autoinflammation with recurrent macrophage activation syndrome (PMID: 25217959). In at least one individual the variant was observed to be de novo. ClinVar contains an entry for this variant (Variation ID: 156462). This variant is not present in population databases (ExAC no frequency). This sequence change replaces threonine with serine at codon 337 of the NLRC4 protein (p.Thr337Ser). The threonine residue is highly conserved and there is a small physicochemical difference between threonine and serine. For these reasons, this variant has been classified as Pathogenic.

OMIM
Classification: Pathogenic for AUTOINFLAMMATION WITH INFANTILE ENTEROCOLITIS. Last evaluated: 2014-10-01. Review status: no assertion criteria provided. Collection method: literature only. Allele origin: germline. Not counted in ClinVar's aggregate classification.

Literature cited by the submitters: PubMed 25217959 (cited by Labcorp Genetics (formerly Invitae), Labcorp and OMIM); PubMed 29326099 (cited by Labcorp Genetics (formerly Invitae), Labcorp).

NM_001199138.2(NLRC4):c.1009A>T (p.Thr337Ser)

Gene: NLRC4 (NLR family CARD domain containing 4; minus strand). Cytogenetic location: 2p22.3.
Variant type: single nucleotide variant.
Coding change: c.1009A>T on transcript NM_001199138.2 (MANE Select); coding-DNA position 1009, A replaced by T.
Protein change: p.Thr337Ser; replaces threonine 337 with serine.
Molecular consequence: missense variant. On other transcripts: intron variant (1).
Genome position (GRCh38, 1-based): chr2:32,250,855, T>A on the plus strand (A>T on the coding strand, the complement: NLRC4 is on the minus strand). VCF-style: chr2-32250855-T-A. GRCh37 (hg19) VCF-style: chr2-32475924-T-A.
Other names: c.262+1564A>T (NM_001302504.1); c.1009A>T, p.Thr337Ser (NM_001199139.2, NM_021209.5); short protein forms T337S.
Identifiers: ClinVar variation 156462 (VCV000156462.9), dbSNP rs587777840, ClinGen allele CA170899.